The following is an entry in ClinVar:

NM_022436.3(ABCG5):c.43C>G (p.Leu15Val)

Gene: ABCG5 (ATP binding cassette subfamily G member 5; minus strand). Cytogenetic location: 2p21.
Variant type: single nucleotide variant.
Coding change: c.43C>G on transcript NM_022436.3 (MANE Select); coding-DNA position 43, C replaced by G.
Protein change: p.Leu15Val; replaces leucine 15 with valine.
Molecular consequence: missense variant.
Genome position (GRCh38, 1-based): chr2:43,838,637, G>C on the plus strand (C>G on the coding strand, the complement: ABCG5 is on the minus strand). VCF-style: chr2-43838637-G-C. GRCh37 (hg19) VCF-style: chr2-44065776-G-C.
Other names: short protein forms L15V.
Identifiers: ClinVar variation 286322 (VCV000286322.10), dbSNP rs372312214, ClinGen allele CA1636812.

ClinVar aggregate classification (germline): Uncertain significance. Review status: criteria provided, multiple submitters, no conflicts (2 of 4 stars). 4 submissions from 4 submitters: Uncertain significance (4). Last evaluated 2025-07-21.

Conditions:
ABCG5-related disorder. Also called: ABCG5-related condition.
Cardiovascular phenotype. Identifiers: MedGen CN230736.
Sitosterolemia (STSL). Also called: PHYTOSTEROLEMIA. Identifiers: Orphanet 2882, MedGen C0342907, MONDO:0008863.

Allele frequency attached by ClinVar (database versions not stated): ExAC 0.00001; TOPMed 0.00003; ESP Exome Variant Server 0.00015.
gnomAD v4.1: 35 of 1,613,458 alleles (0.0022%); highest among the groups gnomAD compares: Non-Finnish European, 0.0028%; no homozygotes.

Submissions (4):

Ambry Genetics
Classification: Uncertain significance for Cardiovascular phenotype. Last evaluated: 2025-07-21. Review status: criteria provided, single submitter. Criteria: Ambry Variant Classification Scheme 2023. Collection method: clinical testing. Allele origin: germline.
Comment: The p.L15V variant (also known as c.43C>G), located in coding exon 1 of the ABCG5 gene, results from a C to G substitution at nucleotide position 43. The leucine at codon 15 is replaced by valine, an amino acid with highly similar properties. This amino acid position is conserved. In addition, this alteration is predicted to be tolerated by in silico analysis. Since supporting evidence is limited at this time, the clinical significance of this alteration remains unclear.

PreventionGenetics, part of Exact Sciences
Classification: Uncertain significance for ABCG5-related condition. Last evaluated: 2024-10-24. Review status: criteria provided, single submitter. Criteria: ACMG Guidelines, 2015. Collection method: clinical testing. Allele origin: germline.
Comment: The ABCG5 c.43C>G variant is predicted to result in the amino acid substitution p.Leu15Val. To our knowledge, this variant has not been reported in the literature. This variant is reported in 0.0044% of alleles in individuals of European (Non-Finnish) descent in gnomAD. At this time, the clinical significance of this variant is uncertain due to the absence of conclusive functional and genetic evidence.

Labcorp Genetics (formerly Invitae), Labcorp
Classification: Uncertain significance for Sitosterolemia. Last evaluated: 2021-12-25. Review status: criteria provided, single submitter. Criteria: Invitae Variant Classification Sherloc (09022015). Collection method: clinical testing. Allele origin: germline.
Comment: This sequence change replaces leucine, which is neutral and non-polar, with valine, which is neutral and non-polar, at codon 15 of the ABCG5 protein (p.Leu15Val). This variant is present in population databases (rs372312214, gnomAD 0.005%). This variant has not been reported in the literature in individuals affected with ABCG5-related conditions. ClinVar contains an entry for this variant (Variation ID: 286322). Algorithms developed to predict the effect of missense changes on protein structure and function (SIFT, PolyPhen-2, Align-GVGD) all suggest that this variant is likely to be tolerated. In summary, the available evidence is currently insufficient to determine the role of this variant in disease. Therefore, it has been classified as a Variant of Uncertain Significance.

Eurofins Ntd Llc (ga)
Classification: Uncertain significance. Last evaluated: 2016-02-25. Review status: criteria provided, single submitter. Criteria: EGL Classification Definitions 2015. Collection method: clinical testing. Allele origin: germline. Observed: 1 variant allele, 1 heterozygote.